The following is an entry in ClinVar:

ClinVar aggregate classification (germline): Uncertain significance (1 of 4 stars; one submission).

Allele frequency attached by ClinVar (database versions not stated): gnomAD exomes below 0.00001; ExAC 0.00001; gnomAD 0.00001; TOPMed 0.00001.
gnomAD v4.1: 5 of 1,614,174 alleles (0.00031%); highest among the groups gnomAD compares: Admixed American, 0.0033%; no homozygotes.

Submission:

Labcorp Genetics (formerly Invitae), Labcorp
Classification: Uncertain significance. Last evaluated: 2021-06-16. Review status: criteria provided, single submitter. Criteria: Invitae Variant Classification Sherloc (09022015). Collection method: clinical testing. Allele origin: germline.
Comment: Algorithms developed to predict the effect of missense changes on protein structure and function are either unavailable or do not agree on the potential impact of this missense change (SIFT: "Deleterious"; PolyPhen-2: "Possibly Damaging"; Align-GVGD: "Class C0"). In summary, the available evidence is currently insufficient to determine the role of this variant in disease. Therefore, it has been classified as a Variant of Uncertain Significance. This variant has not been reported in the literature in individuals with CSGALNACT1-related conditions. This variant is present in population databases (rs746976765, ExAC 0.009%). This sequence change replaces threonine with asparagine at codon 35 of the CSGALNACT1 protein (p.Thr35Asn). The threonine residue is moderately conserved and there is a small physicochemical difference between threonine and asparagine.

NM_001354483.2(CSGALNACT1):c.104C>A (p.Thr35Asn)

Gene: CSGALNACT1 (chondroitin sulfate N-acetylgalactosaminyltransferase 1; minus strand). Cytogenetic location: 8p21.3.
Variant type: single nucleotide variant.
Coding change: c.104C>A on transcript NM_001354483.2 (MANE Select); coding-DNA position 104, C replaced by A.
Protein change: p.Thr35Asn; replaces threonine 35 with asparagine.
Molecular consequence: missense variant. On other transcripts: non-coding transcript variant (7).
Genome position (GRCh38, 1-based): chr8:19,505,731, G>T on the plus strand (C>A on the coding strand, the complement: CSGALNACT1 is on the minus strand). VCF-style: chr8-19505731-G-T. GRCh37 (hg19) VCF-style: chr8-19363242-G-T.
Other names: c.104C>A, p.Thr35Asn (NM_001130518.2, NM_001354475.2, NM_001354476.2 and 18 more transcripts); short protein forms T35N.
Identifiers: ClinVar variation 1473533 (VCV001473533.6), dbSNP rs746976765, ClinGen allele CA4654358.
Genomic context (GRCh38, chr8:19,505,731, plus strand): 5'-TCCTTCCCCGTGGGGCTGTTGGCCCTGGGCAGTGCCAGCTGCTCCTCGTCACCTTTTGGG[G>T]TGCAGGCCAACATGTACAGGACAGAGATAGCACAGCAGAGGAGCACCAGCAAAACCACCA-3'
Protein context (NP_001341412.1, residues 25-45): AISVLYMLAC[Thr35Asn]PKGDEEQLAL